The following is an entry in ClinVar:

NM_000138.5(FBN1):c.1091G>C (p.Arg364Pro)

Genes: FBN1 (fibrillin 1; minus strand), LOC113939944 (Sharpr-MPRA regulatory region 9539; plus strand). Cytogenetic location: 15q21.1.
Variant type: single nucleotide variant.
Coding change: c.1091G>C on transcript NM_000138.5 (MANE Select); coding-DNA position 1091, G replaced by C.
Protein change: p.Arg364Pro; replaces arginine 364 with proline.
Molecular consequence: missense variant.
Genome position (GRCh38, 1-based): chr15:48,520,715, C>G on the plus strand (G>C on the coding strand, the complement: FBN1 is on the minus strand). VCF-style: chr15-48520715-C-G. GRCh37 (hg19) VCF-style: chr15-48812912-C-G.
Other names: p.R364P:CGA>CCA; short protein forms R364P.
Identifiers: ClinVar variation 199964 (VCV000199964.5), dbSNP rs536588176, ClinGen allele CA011939.

ClinVar aggregate classification (germline): Uncertain significance. Review status: criteria provided, multiple submitters, no conflicts (2 of 4 stars). 2 submissions from 2 submitters: Uncertain significance (2). Last evaluated 2023-10-18.

Conditions:
Marfan syndrome (MFS). Also called: Marfan syndrome, classic; FBN1-Related Marfan Syndrome; Marfan syndrome type 1; Marfan's syndrome; MARFAN SYNDROME, TYPE I. Identifiers: Orphanet 284963, Orphanet 558, MedGen C0024796, MONDO:0007947, OMIM 154700.

Submissions (2):

GeneDx
Classification: Uncertain significance. Last evaluated: 2023-10-18. Review status: criteria provided, single submitter. Criteria: GeneDx Variant Classification Process June 2021. Collection method: clinical testing. Allele origin: germline. Affected: yes.
Comment: Not observed at significant frequency in large population cohorts (gnomAD); In silico analysis supports that this missense variant has a deleterious effect on protein structure/function; Does not affect a cysteine residue within a calcium-binding EGF-like domain of the FBN1 gene; cysteine substitutions in the calcium-binding EGF-like domains represent the majority of pathogenic missense changes associated with FBN1 related disorders (PMID: 12938084); Has not been previously published as pathogenic or benign to our knowledge; This variant is associated with the following publications: (PMID: 12938084)

All of Us Research Program, National Institutes of Health
Classification: Uncertain significance for Marfan syndrome. Last evaluated: 2023-03-28. Review status: criteria provided, single submitter. Criteria: ACMG Guidelines, 2015. Collection method: clinical testing. Allele origin: germline. Inheritance: Autosomal dominant inheritance. Observed: 1 variant allele, 1 heterozygote.
Comment: This study involves interpretation of variants in research participants for the purpose of population health screening. Participant phenotype was not available at the time of variant classification. Additional details can be found in publication PMID: 35346344, PMCID: PMC8962531